The following is an entry in ClinVar:

NM_201548.5(CERKL):c.498G>A (p.Pro166=)

Gene: CERKL (CERK like autophagy regulator; minus strand). Cytogenetic location: 2q31.3.
Variant type: single nucleotide variant.
Coding change: c.498G>A on transcript NM_201548.5 (MANE Select); coding-DNA position 498, G replaced by A.
Protein change: p.Pro166=; no amino-acid change (proline 166 retained).
Molecular consequence: synonymous variant. On other transcripts: non-coding transcript variant (1), intron variant (2).
Genome position (GRCh38, 1-based): chr2:181,573,868, C>T on the plus strand (G>A on the coding strand, the complement: CERKL is on the minus strand). VCF-style: chr2-181573868-C-T. GRCh37 (hg19) VCF-style: chr2-182438595-C-T.
Other names: c.498G>A (NM_001030311.2); c.498G>A, p.Pro166= (NM_001030311.3, NM_001030313.3); c.482-24160G>A (NM_001030312.3); c.482-7747G>A (NM_001160277.2).
Identifiers: ClinVar variation 1078595 (VCV001078595.9), dbSNP rs372708712, ClinGen allele CA2010789.
Genomic context (GRCh38, chr2:181,573,868, plus strand): 5'-ATAAACCTGGGTAGCTTCTTTTTTGTGACTTTGGGGGTTAAGGAGTATTTTTAATGACTT[C>T]GGTCTGTTTGGAAAGCCTAAGAAGAAATTTTAAAGACAAAGTTGTAAAGTCCTTGTCATC-3'
Protein context (NP_963842.1, residues 156-176): KKILAGFPNR[Pro166=]KSLKILLNPQ

ClinVar aggregate classification (germline): Likely benign. Review status: criteria provided, multiple submitters, no conflicts (2 of 4 stars). 3 submissions from 3 submitters: Likely benign (3). Last evaluated 2026-01-24.

Conditions:
CERKL-related disorder. Also called: CERKL-related condition.

Allele frequency attached by ClinVar (database versions not stated): ExAC 0.00002; gnomAD exomes 0.00002 and 0.00003; gnomAD 0.00003 and 0.00004; TOPMed 0.00003; ESP Exome Variant Server 0.00015.
gnomAD v4.1: 51 of 1,612,286 alleles (0.0032%); highest among the groups gnomAD compares: Non-Finnish European, 0.0037%; no homozygotes.

Submissions (3):

Labcorp Genetics (formerly Invitae), Labcorp
Classification: Likely benign. Last evaluated: 2026-01-24. Review status: criteria provided, single submitter. Criteria: Invitae Variant Classification Sherloc (09022015). Collection method: clinical testing. Allele origin: germline.

PreventionGenetics, part of Exact Sciences
Classification: Likely benign for CERKL-related condition. Last evaluated: 2024-12-31. Review status: criteria provided, single submitter. Criteria: ACMG Guidelines, 2015. Collection method: clinical testing. Allele origin: germline.
Comment: This variant is classified as likely benign based on ACMG/AMP sequence variant interpretation guidelines (Richards et al. 2015 PMID: 25741868, with internal and published modifications).

Blueprint Genetics
Classification: Likely benign. Last evaluated: 2022-03-03. Review status: criteria provided, single submitter. Criteria: ACMG Guidelines, 2015. Collection method: clinical testing. Allele origin: germline.